The following is an entry in ClinVar:

ClinVar aggregate classification (germline): Benign/Likely benign. Review status: criteria provided, multiple submitters, no conflicts (2 of 4 stars). 2 submissions from 2 submitters: Benign (1); Likely benign (1). Last evaluated 2018-06-14.

Allele frequency attached by ClinVar (database versions not stated): gnomAD 0.15515 and 0.15978; TOPMed 0.16595; gnomAD exomes 0.17113; 1000 Genomes Project 0.21066.
gnomAD v4.1: 120,420 of 713,682 alleles (17%); highest among the groups gnomAD compares: East Asian, 31%; 11,072 homozygotes.

Submissions (2):

GeneDx
Classification: Benign. Last evaluated: 2018-06-14. Review status: criteria provided, single submitter. Criteria: GeneDx Variant Classification (06012015). Collection method: clinical testing. Allele origin: germline. Affected: yes.
Comment: This variant is considered likely benign or benign based on one or more of the following criteria: it is a conservative change, it occurs at a poorly conserved position in the protein, it is predicted to be benign by multiple in silico algorithms, and/or has population frequency not consistent with disease.

Breakthrough Genomics
Classification: Likely benign. Review status: criteria provided, single submitter. Criteria: ACMG Guidelines, 2015. Collection method: not provided. Allele origin: germline. Inheritance: Autosomal recessive inheritance. Affected: yes.

NM_001365088.1(SLC12A6):c.-72-71G>A

Gene: SLC12A6 (solute carrier family 12 member 6; minus strand). Cytogenetic location: 15q14.
Variant type: single nucleotide variant.
Coding change: c.-72-71G>A on transcript NM_001365088.1 (MANE Select); 71 bases into the intron before 72 bases upstream of the start codon, G replaced by A.
Molecular consequence: intron variant. On other transcripts: 5 prime UTR variant (2).
Genome position (GRCh38, 1-based): chr15:34,336,823, C>T on the plus strand (G>A on the coding strand, the complement: SLC12A6 is on the minus strand). VCF-style: chr15-34336823-C-T. GRCh37 (hg19) VCF-style: chr15-34629024-C-T.
Other names: c.-143G>A (NM_001042497.2, NM_133647.2); c.-98-222G>A (NM_001042495.2, NM_001042494.2); c.-14-156G>A (NM_001042496.2).
Identifiers: ClinVar variation 315628 (VCV000315628.7), dbSNP rs73374490, ClinGen allele CA10646795.